The following is an entry in ClinVar:

NM_000135.4(FANCA):c.1082G>C (p.Arg361Thr)

Gene: FANCA (FA complementation group A; minus strand). Cytogenetic location: 16q24.3.
Variant type: single nucleotide variant.
Coding change: c.1082G>C on transcript NM_000135.4 (MANE Select); coding-DNA position 1082, G replaced by C.
Protein change: p.Arg361Thr; replaces arginine 361 with threonine.
Molecular consequence: missense variant.
Genome position (GRCh38, 1-based): chr16:89,792,472, C>G on the plus strand (G>C on the coding strand, the complement: FANCA is on the minus strand). VCF-style: chr16-89792472-C-G. GRCh37 (hg19) VCF-style: chr16-89858880-C-G.
Other names: c.1082G>C, p.Arg361Thr (NM_001286167.3); c.1082G>C (NM_000135.3); short protein forms R361T.
Identifiers: ClinVar variation 2043809 (VCV002043809.2), dbSNP rs1287953239, ClinGen allele CA397466560.
Genomic context (GRCh38, chr16:89,792,472, plus strand): 5'-GCAGATCTTAATCCCCCCGCCACGAGCTCAGAAGCAGGTATAATACCACATCCACTCACC[C>G]TGCGGTACAGTGAGGTGAGCAGAGGGTGTGTCCGCGCAAAGCTCCACTCTCTCTGCATCT-3'
Protein context (NP_000126.2, residues 351-371): THPLLTSLYR[Arg361Thr]LFVMLSAEEL

ClinVar aggregate classification (germline): Uncertain significance. Review status: criteria provided, multiple submitters, no conflicts (2 of 4 stars). 2 submissions from 2 submitters: Uncertain significance (2). Last evaluated 2024-03-21.

Conditions:
Fanconi anemia (FA). Also called: Fanconi's anemia. Identifiers: Orphanet 84, MedGen C0015625, MeSH D005199, MONDO:0019391.

Allele frequency attached by ClinVar (database versions not stated): gnomAD exomes below 0.00001; TOPMed below 0.00001; gnomAD 0.00001.
gnomAD v4.1: 6 of 1,613,030 alleles (0.00037%); highest among the groups gnomAD compares: Admixed American, 0.0033%; no homozygotes.

Submissions (2):

Quest Diagnostics Nichols Institute San Juan Capistrano
Classification: Uncertain significance. Last evaluated: 2024-03-21. Review status: criteria provided, single submitter. Criteria: Quest Diagnostics criteria. Collection method: clinical testing. Allele origin: unknown.
Comment: The FANCA c.1082G>C (p.Arg361Thr) variant has not been reported as a germline variant in individuals with FANCA-related conditions in the published literature. The frequency of this variant in the general population, 0.000004 (1/249024 chromosomes (Genome Aggregation Database)), is uninformative in the assessment of its pathogenicity. Analysis of this variant using software algorithms for the prediction of the effect of nucleotide changes on splicing yielded predictions that this variant may affect proper FANCA mRNA splicing. Based on the available information, we are unable to determine the clinical significance of this variant.

Labcorp Genetics (formerly Invitae), Labcorp
Classification: Uncertain significance for Fanconi anemia. Last evaluated: 2022-07-06. Review status: criteria provided, single submitter. Criteria: Invitae Variant Classification Sherloc (09022015). Collection method: clinical testing. Allele origin: germline.
Comment: This sequence change replaces arginine, which is basic and polar, with threonine, which is neutral and polar, at codon 361 of the FANCA protein (p.Arg361Thr). This variant is present in population databases (no rsID available, gnomAD no frequency). This variant has not been reported in the literature in individuals affected with FANCA-related conditions. Algorithms developed to predict the effect of missense changes on protein structure and function are either unavailable or do not agree on the potential impact of this missense change (SIFT: "Deleterious"; PolyPhen-2: "Benign"; Align-GVGD: "Class C0"). In summary, the available evidence is currently insufficient to determine the role of this variant in disease. Therefore, it has been classified as a Variant of Uncertain Significance.

Literature cited by the submitters: PubMed 24121791 (cited by Quest Diagnostics Nichols Institute San Juan Capistrano).